The following is an entry in ClinVar:

ClinVar aggregate classification (germline): Uncertain significance. Review status: criteria provided, multiple submitters, no conflicts (2 of 4 stars). 3 submissions from 3 submitters: Uncertain significance (3). Last evaluated 2025-12-11.

Conditions:
IMPG1-related disorder. Also called: IMPG1-related condition.

Allele frequency attached by ClinVar (database versions not stated): gnomAD 0.00001; ExAC 0.00002; gnomAD exomes 0.00002; TOPMed 0.00004.
gnomAD v4.1: 37 of 1,613,790 alleles (0.0023%); highest among the groups gnomAD compares: South Asian, 0.014%; no homozygotes.

Submissions (3):

Labcorp Genetics (formerly Invitae), Labcorp
Classification: Uncertain significance. Last evaluated: 2025-12-11. Review status: criteria provided, single submitter. Criteria: Invitae Variant Classification Sherloc (09022015). Collection method: clinical testing. Allele origin: germline.
Comment: This sequence change replaces glycine, which is neutral and non-polar, with arginine, which is basic and polar, at codon 655 of the IMPG1 protein (p.Gly655Arg). This variant is present in population databases (rs751273411, gnomAD 0.01%). This variant has not been reported in the literature in individuals affected with IMPG1-related conditions. ClinVar contains an entry for this variant (Variation ID: 1058899). An algorithm developed to predict the effect of missense changes on protein structure and function outputs the following: PolyPhen-2: "Benign". The arginine amino acid residue is found in multiple mammalian species, which suggests that this missense change does not adversely affect protein function. In summary, the available evidence is currently insufficient to determine the role of this variant in disease. Therefore, it has been classified as a Variant of Uncertain Significance.

PreventionGenetics, part of Exact Sciences
Classification: Uncertain significance for IMPG1-related condition. Last evaluated: 2024-11-19. Review status: criteria provided, single submitter. Criteria: ACMG Guidelines, 2015. Collection method: clinical testing. Allele origin: germline.
Comment: The IMPG1 c.1963G>A variant is predicted to result in the amino acid substitution p.Gly655Arg. To our knowledge, this variant has not been reported in the literature. This variant is reported in 0.013% of alleles in individuals of South Asian descent in gnomAD. At this time, the clinical significance of this variant is uncertain due to the absence of conclusive functional and genetic evidence.

Blueprint Genetics
Classification: Uncertain significance. Last evaluated: 2024-06-28. Review status: criteria provided, single submitter. Criteria: ACMG Guidelines, 2015. Collection method: clinical testing. Allele origin: germline.

NM_001563.4(IMPG1):c.1963G>A (p.Gly655Arg)

Gene: IMPG1 (interphotoreceptor matrix proteoglycan 1; minus strand). Cytogenetic location: 6q14.1.
Variant type: single nucleotide variant.
Coding change: c.1963G>A on transcript NM_001563.4 (MANE Select); coding-DNA position 1963, G replaced by A.
Protein change: p.Gly655Arg; replaces glycine 655 with arginine.
Molecular consequence: missense variant.
Genome position (GRCh38, 1-based): chr6:75,947,395, C>T on the plus strand (G>A on the coding strand, the complement: IMPG1 is on the minus strand). VCF-style: chr6-75947395-C-T. GRCh37 (hg19) VCF-style: chr6-76657112-C-T.
Other names: c.1729G>A, p.Gly577Arg (NM_001282368.2); c.1963G>A (NM_001563.3); short protein forms G577R, G655R.
Identifiers: ClinVar variation 1058899 (VCV001058899.11), dbSNP rs751273411, ClinGen allele CA3897992.